The following continues an entry in ClinVar:

NM_001267550.2(TTN):c.15178G>C (p.Val5060Leu)

Gene: TTN. ClinVar aggregate classification (germline): Conflicting classifications of pathogenicity. Uncertain significance (1); Benign (11); Likely benign (9).

Submissions 16 to 27 of 27:

Center for Advanced Laboratory Medicine, UC San Diego Health, University of California San Diego
Classification: Benign for Supraventricular tachycardia. Last evaluated: 2017-10-02. Review status: criteria provided, single submitter. Criteria: ACMG Guidelines, 2015. Collection method: clinical testing. Allele origin: germline. Affected: yes. Observed: 1 variant allele.

Athena Diagnostics
Classification: Benign. Last evaluated: 2017-03-28. Review status: criteria provided, single submitter. Criteria: Athena Diagnostics Criteria. Collection method: clinical testing. Allele origin: germline.

GeneDx
Classification: Benign. Last evaluated: 2015-09-21. Review status: criteria provided, single submitter. Criteria: GeneDx Variant Classification (06012015). Collection method: clinical testing. Allele origin: germline. Affected: yes.
Comment: This variant is considered likely benign or benign based on one or more of the following criteria: it is a conservative change, it occurs at a poorly conserved position in the protein, it is predicted to be benign by multiple in silico algorithms, and/or has population frequency not consistent with disease.

Biesecker Lab/Clinical Genomics Section, National Institutes of Health
Classification: Benign. Last evaluated: 2013-06-24. Review status: criteria provided, single submitter. Criteria: Ng et al. (Circ Cardiovasc Genet. 2013). Collection method: research. Allele origin: unknown. Observed: 5 variant alleles. Study: ClinSeq.
Comment: The study set was not selected for affection status in relation to any cancer. Pathogenicity categories were based on literature curation. See Pubmed ID:23861362 for details.

Medical sequencing

Eurofins Ntd Llc (ga)
Classification: Benign. Last evaluated: 2013-06-05. Review status: criteria provided, single submitter. Criteria: EGL Classification Definitions 2015. Collection method: clinical testing. Allele origin: germline. Observed: 2 variant alleles, 2 heterozygotes.

Ambry Genetics
Classification: Likely benign for Cardiovascular phenotype. Last evaluated: 2012-10-01. Review status: criteria provided, single submitter. Criteria: Ambry Autosomal Dominant and X-Linked criteria (10/2015). Collection method: clinical testing. Allele origin: germline. Observed: 1 variant allele.

Clinical Genetics DNA and cytogenetics Diagnostics Lab, Erasmus MC, Erasmus Medical Center
Classification: Likely benign. Review status: no assertion criteria provided. Collection method: clinical testing. Allele origin: germline. Affected: yes. Study: VKGL Data-share Consensus. Not counted in ClinVar's aggregate classification.

Clinical Genetics, Academic Medical Center
Classification: Benign. Review status: no assertion criteria provided. Collection method: clinical testing. Allele origin: germline. Affected: yes. Study: VKGL Data-share Consensus. Not counted in ClinVar's aggregate classification.

Diagnostic Laboratory, Department of Genetics, University Medical Center Groningen
Classification: Likely benign. Review status: no assertion criteria provided. Collection method: clinical testing. Allele origin: germline. Affected: yes. Study: VKGL Data-share Consensus. Not counted in ClinVar's aggregate classification.

Genome Diagnostics Laboratory, University Medical Center Utrecht
Classification: Benign. Review status: no assertion criteria provided. Collection method: clinical testing. Allele origin: germline. Affected: yes. Study: VKGL Data-share Consensus. Not counted in ClinVar's aggregate classification.

Joint Genome Diagnostic Labs from Nijmegen and Maastricht, Radboudumc and MUMC+
Classification: Benign. Review status: no assertion criteria provided. Collection method: clinical testing. Allele origin: germline. Affected: yes. Study: VKGL Data-share Consensus. Not counted in ClinVar's aggregate classification.

Practice for Gait Abnormalities, David Pomarino, Competency Network Toe Walking C/o Practice Pomarino
Classification: Likely pathogenic for Tip-toe gait. Review status: no assertion criteria provided. Collection method: clinical testing. Allele origin: germline. Affected: yes. Not counted in ClinVar's aggregate classification.
Comment: Myopathy refers to diseases that affect skeletal Muscles. These diseases attack muscle fibers, making muscles weak. Inherited myopathies are often caused by inheriting an abnormal gene mutation from a parent that causes the disease. Symptoms of congenital myopathies usually start at birth or in early childhood, but may not appear until the teen years or even later in adulthood. Congenital myopathies are somewhat unique compared with other inherited myopathies, as weakness typically affects all muscles and is often not progressive. Symptoms are: Muscle weakness, most commonly of upper arms and shoulders and thighs, muscle cramps, stiffness and spasms, fatigue with exertion and lack of energy. Our patients all walk on tiptoe, so they show similar symptoms. When we genetically test them with our toe walking panel, we find that around 90 per cent of them have a genetic variant that explains their toe walking. These can be assigned, for example, to the area of myopathies (such as variants of the COL6A3 gene), the area of hereditary neuropathies (such as variants of the KMT2C gene) or the area of metabolic diseases (such as variants of the PYGM gene). In a smaller group of patients with almost identical symptoms, no abnormality is found in the genes of our panel, but spastic paraplegia can be detected. In another small group of our toe walkers, no abnormalities can be detected in the genes analysed in our toe walking panel, nor do they suffer from spastic paraplegia, as is also the case with healthy children. In contrast to these, however, they show a tiptoe gait. These patients suffer from infantile cerebral palsy, in which toe walking can also be observed.

Literature cited by the submitters: PubMed 24476948 (cited by Mayo Clinic Laboratories, Mayo Clinic); PubMed 26498160 (cited by Women's Health and Genetics/Laboratory Corporation of America, LabCorp); PubMed 37091313 (cited by Practice for Gait Abnormalities, David Pomarino, Competency Network Toe Walking C/o Practice Pomarino).